The following is an entry in ClinVar:

ClinVar aggregate classification (germline): Uncertain significance. Review status: criteria provided, multiple submitters, no conflicts (2 of 4 stars). 3 submissions from 3 submitters: Uncertain significance (3). Last evaluated 2025-10-05.

Conditions:
Inborn genetic diseases. Identifiers: MedGen C0950123, MeSH D030342.
SLC35A1-congenital disorder of glycosylation. Also called: CONGENITAL DISORDER OF GLYCOSYLATION, TYPE IIf; CDG IIf; SLC35A1-CDG. Identifiers: Orphanet 238459, MedGen C1970344, MONDO:0011342, OMIM 603585.

Allele frequency attached by ClinVar (database versions not stated): gnomAD exomes 0.00001 and below 0.00001; gnomAD 0.00001.
gnomAD v4.1: 20 of 1,613,944 alleles (0.0012%); highest among the groups gnomAD compares: Non-Finnish European, 0.0014%; no homozygotes.

Submissions (3):

Clinical Genomics Laboratory, Washington University in St. Louis
Classification: Uncertain significance for SLC35A1-congenital disorder of glycosylation. Last evaluated: 2025-10-05. Review status: criteria provided, single submitter. Criteria: ACMG Guidelines, 2015. Collection method: clinical testing. Allele origin: germline.
Comment: The SLC35A1 c.379T>A (p.Cys127Ser) variant, to our knowledge, has not been reported in the medical literature but has been reported in the ClinVar database as a variant of uncertain significance by one submitter. This variant is only observed on 20/1,613,944 alleles in the general population (gnomAD v.4.1.0), indicating it is not a common variant. This variant resides within one of the transmembrane domains of SLC35A1 that is defined as a critical functional domain near an amino acid (Thr128) critical for substrate binding and activity (Falkenstein K et al., PMID: 40613041). Most computational predictors suggest that the variant does not impact SLC35A1 function. Due to limited information, and based on ACMG/AMP guidelines for variant interpretation (Richards S et al., PMID: 25741868), the clinical significance of this variant is uncertain at this time.

Ambry Genetics
Classification: Uncertain significance for Inborn genetic diseases. Last evaluated: 2025-08-20. Review status: criteria provided, single submitter. Criteria: Ambry Variant Classification Scheme 2023. Collection method: clinical testing. Allele origin: germline.

Molecular Genetics, Royal Melbourne Hospital
Classification: Uncertain significance for SLC35A1-congenital disorder of glycosylation. Last evaluated: 2021-08-10. Review status: criteria provided, single submitter. Criteria: ACMG Guidelines, 2015. Collection method: clinical testing. Allele origin: germline.
Comment: This sequence change is predicted to replace cysteine with serine at codon 127 of the SLC35A1 protein (p.(Cys127Ser)). The cysteine residue is evolutionarily conserved (100 vertebrates, UCSC), and is located in a helical transmembrane domain. There is a large physicochemical difference between cysteine and serine. The variant is present in a single individual in a large population cohort (1/251,446 alleles, 0 homozygotes in gnomAD v2.1), and has not been reported in the relevant medical literature or databases. Multiple lines of computational evidence predict a benign effect for the missense substitution (5/5 algorithms). Based on the classification scheme RMH Modified ACMG Guidelines v1.4.0, this variant is classified as a VARIANT OF UNCERTAIN SIGNIFICANCE. Following criteria are met: PM2_Supporting, BP4.

NM_006416.5(SLC35A1):c.379T>A (p.Cys127Ser)

Gene: SLC35A1 (solute carrier family 35 member A1; plus strand). Cytogenetic location: 6q15.
Variant type: single nucleotide variant.
Coding change: c.379T>A on transcript NM_006416.5 (MANE Select); coding-DNA position 379, T replaced by A.
Protein change: p.Cys127Ser; replaces cysteine 127 with serine.
Molecular consequence: missense variant.
Genome position (GRCh38, 1-based): chr6:87,501,182, T>A. VCF-style: chr6-87501182-T-A. GRCh37 (hg19) VCF-style: chr6-88210900-T-A.
Other names: c.379T>A, p.Cys127Ser (NM_001168398.2); c.379T>A (NM_006416.4); short protein forms C127S.
Identifiers: ClinVar variation 1676264 (VCV001676264.4), dbSNP rs1242388466, ClinGen allele CA364935427.
Genomic context (GRCh38, chr6:87,501,182, plus strand): 5'-TTAACTGAATTTATTAATTCATTCTCTTTTTTTTAGGTGACCTACCAGTTGAAGATTCCG[T>A]GTACTGCTTTATGCACTGTTTTAATGTTAAACCGGACACTCAGCAAATTACAGTGGGTTT-3'
Protein context (NP_006407.1, residues 117-137): YQVTYQLKIP[Cys127Ser]TALCTVLMLN